The following is an entry in ClinVar:

ClinVar aggregate classification (germline): Uncertain significance (1 of 4 stars; one submission).

Submission:

GeneDx
Classification: Uncertain significance. Last evaluated: 2021-06-01. Review status: criteria provided, single submitter. Criteria: GeneDx Variant Classification Process June 2021. Collection method: clinical testing. Allele origin: germline. Affected: yes.
Comment: Not observed at significant frequency in large population cohorts (Lek et al., 2016); In silico analysis supports that this missense variant has a deleterious effect on protein structure/function; Has not been previously published as pathogenic or benign to our knowledge; This variant is associated with the following publications: (PMID: 27535533)

NM_020795.4(NLGN2):c.560C>T (p.Ser187Phe)

Gene: NLGN2 (neuroligin 2; plus strand). Cytogenetic location: 17p13.1.
Variant type: single nucleotide variant.
Coding change: c.560C>T on transcript NM_020795.4 (MANE Select); coding-DNA position 560, C replaced by T.
Protein change: p.Ser187Phe; replaces serine 187 with phenylalanine.
Molecular consequence: missense variant.
Genome position (GRCh38, 1-based): chr17:7,414,395, C>T. VCF-style: chr17-7414395-C-T. GRCh37 (hg19) VCF-style: chr17-7317714-C-T.
Other names: short protein forms S187F.
Identifiers: ClinVar variation 1327390 (VCV001327390.2), dbSNP rs2150815968, ClinGen allele CA397819304.